The following is an entry in ClinVar:

NM_005219.5(DIAPH1):c.3092A>T (p.Tyr1031Phe)

Gene: DIAPH1 (diaphanous related formin 1; minus strand). Cytogenetic location: 5q31.3.
Variant type: single nucleotide variant.
Coding change: c.3092A>T on transcript NM_005219.5 (MANE Select); coding-DNA position 3092, A replaced by T.
Protein change: p.Tyr1031Phe; replaces tyrosine 1031 with phenylalanine.
Molecular consequence: missense variant.
Genome position (GRCh38, 1-based): chr5:141,528,509, T>A on the plus strand (A>T on the coding strand, the complement: DIAPH1 is on the minus strand). VCF-style: chr5-141528509-T-A. GRCh37 (hg19) VCF-style: chr5-140908076-T-A.
Other names: c.3065A>T, p.Tyr1022Phe (NM_001079812.3); c.3092A>T, p.Tyr1031Phe (NM_001314007.2); short protein forms Y1022F, Y1031F.
Identifiers: ClinVar variation 3756763 (VCV003756763.9).

ClinVar aggregate classification (germline): Uncertain significance. Review status: criteria provided, multiple submitters, no conflicts (2 of 4 stars). 2 submissions from 2 submitters: Uncertain significance (2). Last evaluated 2025-09-01.

Conditions:
Progressive microcephaly-seizures-cortical blindness-developmental delay syndrome. Also called: Seizures, cortical blindness, and microcephaly syndrome. Identifiers: Orphanet 477814, MedGen C5567650, MONDO:0014714, OMIM 616632.
Autosomal dominant nonsyndromic hearing loss 1. Also called: KONIGSMARK SYNDROME; DEAFNESS, AUTOSOMAL DOMINANT 1, WITH OR WITHOUT THROMBOCYTOPENIA. Identifiers: Orphanet 90635, MedGen C1852282, MONDO:0007424, OMIM 124900.

gnomAD v4.1: 1 of 1,614,238 alleles (0.000062%); highest among the groups gnomAD compares: Non-Finnish European, 0.000085%; no homozygotes.

Submissions (2):

CeGaT Center for Human Genetics Tuebingen
Classification: Uncertain significance. Last evaluated: 2025-09-01. Review status: criteria provided, single submitter. Criteria: CeGaT Center For Human Genetics Tuebingen Variant Classification Criteria Version 2. Collection method: clinical testing. Allele origin: germline. Affected: yes. Observed: 1 variant allele.
Comment: DIAPH1: PM2, BP4

Labcorp Genetics (formerly Invitae), Labcorp
Classification: Uncertain significance for Progressive microcephaly-seizures-cortical blindness-developmental delay syndrome; Autosomal dominant nonsyndromic hearing loss 1. Last evaluated: 2024-06-11. Review status: criteria provided, single submitter. Criteria: Invitae Variant Classification Sherloc (09022015). Collection method: clinical testing. Allele origin: germline.
Comment: This sequence change replaces tyrosine, which is neutral and polar, with phenylalanine, which is neutral and non-polar, at codon 1031 of the DIAPH1 protein (p.Tyr1031Phe). This variant is not present in population databases (gnomAD no frequency). This variant has not been reported in the literature in individuals affected with DIAPH1-related conditions. An algorithm developed to predict the effect of missense changes on protein structure and function (PolyPhen-2) suggests that this variant is likely to be disruptive. In summary, the available evidence is currently insufficient to determine the role of this variant in disease. Therefore, it has been classified as a Variant of Uncertain Significance.